The following is an entry in ClinVar:

ClinVar aggregate classification (germline): Uncertain significance. Review status: criteria provided, multiple submitters, no conflicts (2 of 4 stars). 2 submissions from 2 submitters: Uncertain significance (2). Last evaluated 2025-12-08.

Allele frequency attached by ClinVar (database versions not stated): gnomAD exomes 0.00002 and 0.00004; ExAC 0.00006.

Submissions (2):

Labcorp Genetics (formerly Invitae), Labcorp
Classification: Uncertain significance. Last evaluated: 2025-12-08. Review status: criteria provided, single submitter. Criteria: Invitae Variant Classification Sherloc (09022015). Collection method: clinical testing. Allele origin: germline.
Comment: This variant, c.363_365del, results in the deletion of 1 amino acid(s) of the PDE6A protein (p.Glu122del), but otherwise preserves the integrity of the reading frame. This variant is present in population databases (rs758028794, gnomAD 0.04%). This variant has not been reported in the literature in individuals affected with PDE6A-related conditions. ClinVar contains an entry for this variant (Variation ID: 1477092). Experimental studies and prediction algorithms are not available or were not evaluated, and the functional significance of this variant is currently unknown. In summary, the available evidence is currently insufficient to determine the role of this variant in disease. Therefore, it has been classified as a Variant of Uncertain Significance.

Blueprint Genetics
Classification: Uncertain significance. Last evaluated: 2021-09-24. Review status: criteria provided, single submitter. Criteria: ACMG Guidelines, 2015. Collection method: clinical testing. Allele origin: germline.

NM_000440.3(PDE6A):c.363_365del (p.Glu122del)

Gene: PDE6A (phosphodiesterase 6A; minus strand). Cytogenetic location: 5q32.
Variant type: Deletion.
Coding change: c.363_365del on transcript NM_000440.3 (MANE Select); coding-DNA positions 363 to 365, 3 bases deleted (CGA; older notation c.363_365delCGA).
Protein change: p.Glu122del; deletes glutamic acid 122.
Molecular consequence: inframe deletion.
Genome position (GRCh38, 1-based): chr5:149,944,309-149,944,311, TCG deleted on the plus strand (CGA on the coding strand, the reverse complement: PDE6A is on the minus strand). VCF-style (leftmost placement, unchanged base first): chr5-149944308-CTCG-C. GRCh37 (hg19) VCF-style: chr5-149323871-CTCG-C.
Other names: short protein forms E122del.
Identifiers: ClinVar variation 1477092 (VCV001477092.7), dbSNP rs758028794, ClinGen allele CA3505069.